The following is an entry in ClinVar:

NM_000059.4(BRCA2):c.3989A>G (p.Asn1330Ser)

Gene: BRCA2 (BRCA2 DNA repair associated; plus strand). Cytogenetic location: 13q13.1.
Variant type: single nucleotide variant.
Coding change: c.3989A>G on transcript NM_000059.4 (MANE Select); coding-DNA position 3989, A replaced by G.
Protein change: p.Asn1330Ser; replaces asparagine 1330 with serine.
Molecular consequence: missense variant.
Genome position (GRCh38, 1-based): chr13:32,338,344, A>G. VCF-style: chr13-32338344-A-G. GRCh37 (hg19) VCF-style: chr13-32912481-A-G.
Other names: short protein forms N1330S.
Identifiers: ClinVar variation 379934 (VCV000379934.18), dbSNP rs1057520792, ClinGen allele CA16607464.

ClinVar aggregate classification (germline): Conflicting classifications of pathogenicity. Review status: criteria provided, conflicting classifications (1 of 4 stars). 5 submissions from 5 submitters: Uncertain significance (3); Likely benign (2). Last evaluated 2024-11-26.

Conditions:
Hereditary cancer-predisposing syndrome. Also called: Tumor predisposition; Hereditary neoplastic syndrome; Neoplastic Syndromes, Hereditary; Hereditary Cancer Syndrome. Identifiers: Orphanet 140162, MedGen C0027672, MeSH D009386, MONDO:0015356.
Hereditary breast ovarian cancer syndrome. Also called: Hereditary breast and/or ovarian cancer syndrome; Hereditary breast and ovarian cancer syndrome; Hereditary breast and ovarian cancer syndrome (HBOC); Hereditary breast and ovarian cancer; BRCA1- and BRCA2-Associated Hereditary Breast and Ovarian Cancer; Breast and ovarian cancer. Identifiers: Orphanet 145, MedGen C0677776, MeSH D061325, MONDO:0003582. Disease mechanism: loss of function.

Allele frequency attached by ClinVar (database versions not stated): gnomAD exomes 0.00001.
gnomAD v4.1: 4 of 1,585,336 alleles (0.00025%); highest among the groups gnomAD compares: East Asian, 0.009%; no homozygotes.

Submissions (5):

Labcorp Genetics (formerly Invitae), Labcorp
Classification: Uncertain significance for Hereditary breast ovarian cancer syndrome. Last evaluated: 2024-11-26. Review status: criteria provided, single submitter. Criteria: Invitae Variant Classification Sherloc (09022015). Collection method: clinical testing. Allele origin: germline.
Comment: This sequence change replaces asparagine, which is neutral and polar, with serine, which is neutral and polar, at codon 1330 of the BRCA2 protein (p.Asn1330Ser). This variant is not present in population databases (gnomAD no frequency). This variant has not been reported in the literature in individuals affected with BRCA2-related conditions. ClinVar contains an entry for this variant (Variation ID: 379934). Invitae Evidence Modeling of protein sequence and biophysical properties (such as structural, functional, and spatial information, amino acid conservation, physicochemical variation, residue mobility, and thermodynamic stability) indicates that this missense variant is not expected to disrupt BRCA2 protein function with a negative predictive value of 95%. In summary, the available evidence is currently insufficient to determine the role of this variant in disease. Therefore, it has been classified as a Variant of Uncertain Significance.

Ambry Genetics
Classification: Uncertain significance for Hereditary cancer-predisposing syndrome. Last evaluated: 2023-09-09. Review status: criteria provided, single submitter. Criteria: Ambry Variant Classification Scheme 2023. Collection method: clinical testing. Allele origin: germline.
Comment: The p.N1330S variant (also known as c.3989A>G), located in coding exon 10 of the BRCA2 gene, results from an A to G substitution at nucleotide position 3989. The asparagine at codon 1330 is replaced by serine, an amino acid with highly similar properties. This alteration was observed with an allele frequency of 0.00009 in 11,241 female controls of Japanese ancestry and was not observed in 7,051 unselected female breast cancer cases. In addition, it was not observed in unselected male breast cancer patients and was observed with an allele frequency of 0.0002 in 12,490 male controls of Japanese ancestry (Momozawa Y et al. Nat Commun, 2018 10;9:4083). This amino acid position is not well conserved in available vertebrate species. In addition, this alteration is predicted to be tolerated by in silico analysis. Since supporting evidence is limited at this time, the clinical significance of this alteration remains unclear.

University of Washington Department of Laboratory Medicine, University of Washington
Classification: Likely benign for Hereditary cancer-predisposing syndrome. Last evaluated: 2023-03-23. Review status: criteria provided, single submitter. Criteria: Dines et al. (Genet Med. 2020). Collection method: curation. Allele origin: germline.
Comment: Missense variant in a coldspot region where missense variants are very unlikely to be pathogenic (PMID:31911673).

BRCA2 exon 11 coldspot. Reclassification based on statistical prior probability.

Color Diagnostics, LLC DBA Color Health
Classification: Uncertain significance for Hereditary cancer-predisposing syndrome. Last evaluated: 2019-06-05. Review status: criteria provided, single submitter. Criteria: ACMG Guidelines, 2015. Collection method: clinical testing. Allele origin: germline.

GeneDx
Classification: Likely benign. Last evaluated: 2015-06-11. Review status: criteria provided, single submitter. Criteria: GeneDx Variant Classification (06012015). Collection method: clinical testing. Allele origin: germline. Affected: yes.
Comment: This variant is considered likely benign or benign based on one or more of the following criteria: it is a conservative change, it occurs at a poorly conserved position in the protein, it is predicted to be benign by multiple in silico algorithms, and/or has population frequency not consistent with disease.

Literature cited by the submitters: PubMed 30287823 (cited by Ambry Genetics).